The following is an entry in ClinVar:

NM_001366385.1(CARD14):c.760G>A (p.Ala254Thr)

Gene: CARD14 (caspase recruitment domain family member 14; plus strand). Cytogenetic location: 17q25.3.
Variant type: single nucleotide variant.
Coding change: c.760G>A on transcript NM_001366385.1 (MANE Select); coding-DNA position 760, G replaced by A.
Protein change: p.Ala254Thr; replaces alanine 254 with threonine.
Molecular consequence: missense variant. On other transcripts: non-coding transcript variant (1).
Genome position (GRCh38, 1-based): chr17:80,188,461, G>A. VCF-style: chr17-80188461-G-A. GRCh37 (hg19) VCF-style: chr17-78162260-G-A.
Other names: c.760G>A, p.Ala254Thr (NM_001257970.1, NM_024110.4); c.49G>A, p.Ala17Thr (NM_052819.3); short protein forms A254T, A17T.
Identifiers: ClinVar variation 2275036 (VCV002275036.5), dbSNP rs1443519090, ClinGen allele CA401341303.
Genomic context (GRCh38, chr17:80,188,461, plus strand): 5'-CAGCGAGCCAACATGGTTTCCTCCTGTGAGCTGGAATTGCAAGAGCAGTCCCTGAGGACA[G>A]CCAGCGACCAGGAGTCCGGGGATGAGGAGCTGAACCGCCTGAAGGAGGAGAATGAGAAAC-3'
Protein context (NP_001353314.1, residues 244-264): LELQEQSLRT[Ala254Thr]SDQESGDEEL

ClinVar aggregate classification (germline): Uncertain significance. Review status: criteria provided, multiple submitters, no conflicts (2 of 4 stars). 2 submissions from 2 submitters: Uncertain significance (2). Last evaluated 2023-05-19.

Conditions:
Inborn genetic diseases. Identifiers: MedGen C0950123, MeSH D030342.
Pityriasis rubra pilaris (PRP). Also called: Pityriasis rubra pilaris--familial type. Identifiers: Orphanet 2897, MedGen C0032027, MONDO:0100017, OMIM 173200, MONDO:0008251.
Psoriasis 2. Identifiers: MedGen C1864497, MONDO:0011269, OMIM 602723.

Allele frequency attached by ClinVar (database versions not stated): gnomAD exomes below 0.00001.

Submissions (2):

Labcorp Genetics (formerly Invitae), Labcorp
Classification: Uncertain significance for Pityriasis rubra pilaris; Psoriasis 2. Last evaluated: 2023-05-19. Review status: criteria provided, single submitter. Criteria: Invitae Variant Classification Sherloc (09022015). Collection method: clinical testing. Allele origin: germline.
Comment: ClinVar contains an entry for this variant (Variation ID: 2275036). In summary, the available evidence is currently insufficient to determine the role of this variant in disease. Therefore, it has been classified as a Variant of Uncertain Significance. Advanced modeling of protein sequence and biophysical properties (such as structural, functional, and spatial information, amino acid conservation, physicochemical variation, residue mobility, and thermodynamic stability) performed at Invitae indicates that this missense variant is not expected to disrupt CARD14 protein function. This variant has not been reported in the literature in individuals affected with CARD14-related conditions. This variant is not present in population databases (gnomAD no frequency). This sequence change replaces alanine, which is neutral and non-polar, with threonine, which is neutral and polar, at codon 254 of the CARD14 protein (p.Ala254Thr).

Ambry Genetics
Classification: Uncertain significance for Inborn genetic diseases. Last evaluated: 2022-02-02. Review status: criteria provided, single submitter. Criteria: Ambry Variant Classification Scheme 2023. Collection method: clinical testing. Allele origin: germline.